The following is an entry in ClinVar:

ClinVar aggregate classification (germline): Pathogenic (1 of 4 stars; one submission).

Submission:

Labcorp Genetics (formerly Invitae), Labcorp
Classification: Pathogenic. Last evaluated: 2022-11-12. Review status: criteria provided, single submitter. Criteria: Invitae Variant Classification Sherloc (09022015). Collection method: clinical testing. Allele origin: germline.
Comment: For these reasons, this variant has been classified as Pathogenic. This variant has not been reported in the literature in individuals affected with USH1C-related conditions. This variant is a gross deletion of the genomic region encompassing exon(s) 1-4 of the USH1C gene, which includes the initiator codon. This deletion extends beyond the assayed region for this gene and therefore may encompass additional genes. It is expected to result in an absent or disrupted protein product. Loss-of-function variants in USH1C are known to be pathogenic (PMID: 10973247, 17407589, 20301442, 21203349).

Literature cited by the submitters: PubMed 10973247; PubMed 17407589; PubMed 20301442; PubMed 21203349.

NC_000011.9:g.(?_17552691)_(17565973_?)del

Gene: USH1C (USH1 protein network component harmonin; minus strand). Cytogenetic location: 11p15.1.
Variant type: Deletion.
Identifiers: ClinVar variation 1459455 (VCV001459455.4).